The following is an entry in ClinVar:

NM_001378454.1(ALMS1):c.10788G>C (p.Val3596=)

Gene: ALMS1 (ALMS1 centrosome and basal body associated protein; plus strand). Cytogenetic location: 2p13.1.
Variant type: single nucleotide variant.
Coding change: c.10788G>C on transcript NM_001378454.1 (MANE Select); coding-DNA position 10788, G replaced by C.
Protein change: p.Val3596=; no amino-acid change (valine 3596 retained).
Molecular consequence: synonymous variant.
Genome position (GRCh38, 1-based): chr2:73,572,665, G>C. VCF-style: chr2-73572665-G-C. GRCh37 (hg19) VCF-style: chr2-73799792-G-C.
Other names: c.10791G>C, p.Val3597= (NM_015120.4).
Identifiers: ClinVar variation 283818 (VCV000283818.49), dbSNP rs45445398, ClinGen allele CA1715059.

ClinVar aggregate classification (germline): Likely benign. Review status: criteria provided, multiple submitters, no conflicts (2 of 4 stars). 11 submissions from 11 submitters: Likely benign (8). 3 of the submissions do not count toward it. Last evaluated 2026-06-01.

Conditions:
Cardiovascular phenotype. Identifiers: MedGen CN230736.
Alstrom syndrome (ALMS). Identifiers: Orphanet 64, MedGen C0268425, MONDO:0008763, OMIM 203800.

Allele frequency attached by ClinVar (database versions not stated): 1000 Genomes Project 30x 0.00016; 1000 Genomes Project 0.00020; TOPMed 0.00105; gnomAD 0.00113 and 0.00114; ESP Exome Variant Server 0.00139; gnomAD exomes 0.00167.
gnomAD v4.1: 2,621 of 1,614,080 alleles (0.16%); highest among the groups gnomAD compares: Non-Finnish European, 0.19%; 7 homozygotes.

Submissions (11):

CeGaT Center for Human Genetics Tuebingen
Classification: Likely benign. Last evaluated: 2026-06-01. Review status: criteria provided, single submitter. Criteria: CeGaT Center For Human Genetics Tuebingen Variant Classification Criteria Version 2. Collection method: clinical testing. Allele origin: germline. Affected: yes. Observed: 6 variant alleles.
Comment: ALMS1: BP4, BP7

Labcorp Genetics (formerly Invitae), Labcorp
Classification: Likely benign for Alstrom syndrome. Last evaluated: 2026-02-02. Review status: criteria provided, single submitter. Criteria: Invitae Variant Classification Sherloc (09022015). Collection method: clinical testing. Allele origin: germline.

Blueprint Genetics
Classification: Likely benign. Last evaluated: 2024-11-21. Review status: criteria provided, single submitter. Criteria: ACMG Guidelines, 2015. Collection method: clinical testing. Allele origin: germline.

Fulgent Genetics
Classification: Likely benign for Alstrom syndrome. Last evaluated: 2021-10-14. Review status: criteria provided, single submitter. Criteria: ACMG Guidelines, 2015. Collection method: clinical testing. Allele origin: unknown.

GeneDx
Classification: Likely benign. Last evaluated: 2021-10-12. Review status: criteria provided, single submitter. Criteria: GeneDx Variant Classification Process June 2021. Collection method: clinical testing. Allele origin: germline. Affected: yes.
Comment: This variant is associated with the following publications: (PMID: 17594715)

Women's Health and Genetics/Laboratory Corporation of America, LabCorp
Classification: Likely benign. Last evaluated: 2021-09-07. Review status: criteria provided, single submitter. Criteria: LabCorp Variant Classification Summary - May 2015. Collection method: clinical testing. Allele origin: germline.

Ambry Genetics
Classification: Likely benign for Cardiovascular phenotype. Last evaluated: 2019-01-02. Review status: criteria provided, single submitter. Criteria: Ambry Variant Classification Scheme 2023. Collection method: clinical testing. Allele origin: germline.

Eurofins Ntd Llc (ga)
Classification: Likely benign. Last evaluated: 2017-10-18. Review status: criteria provided, single submitter. Criteria: EGL Classification Definitions 2015. Collection method: clinical testing. Allele origin: germline. Observed: 2 variant alleles, 2 heterozygotes.

Natera, Inc.
Classification: Likely benign for Alstrom syndrome. Last evaluated: 2020-09-16. Review status: no assertion criteria provided. Collection method: clinical testing. Allele origin: germline. Not counted in ClinVar's aggregate classification.

Clinical Genetics DNA and cytogenetics Diagnostics Lab, Erasmus MC, Erasmus Medical Center
Classification: Likely benign. Review status: no assertion criteria provided. Collection method: clinical testing. Allele origin: germline. Affected: yes. Study: VKGL Data-share Consensus. Not counted in ClinVar's aggregate classification.

Clinical Genetics, Academic Medical Center
Classification: Benign. Review status: no assertion criteria provided. Collection method: clinical testing. Allele origin: germline. Affected: yes. Study: VKGL Data-share Consensus. Not counted in ClinVar's aggregate classification.